The following is an entry in ClinVar:

ClinVar aggregate classification (germline): Uncertain significance (1 of 4 stars; one submission).

Allele frequency attached by ClinVar (database versions not stated): gnomAD exomes 0.00002; ExAC 0.00003; gnomAD 0.00012 and 0.00014; TOPMed 0.00015.
gnomAD v4.1: 35 of 1,584,570 alleles (0.0022%); highest among the groups gnomAD compares: African/African-American, 0.035%; no homozygotes.

Submission:

Labcorp Genetics (formerly Invitae), Labcorp
Classification: Uncertain significance. Last evaluated: 2024-07-08. Review status: criteria provided, single submitter. Criteria: Invitae Variant Classification Sherloc (09022015). Collection method: clinical testing. Allele origin: germline.
Comment: This sequence change replaces valine, which is neutral and non-polar, with leucine, which is neutral and non-polar, at codon 507 of the GPR179 protein (p.Val507Leu). The frequency data for this variant in the population databases is considered unreliable, as metrics indicate poor data quality at this position in the gnomAD database. This variant has not been reported in the literature in individuals affected with GPR179-related conditions. ClinVar contains an entry for this variant (Variation ID: 1468276). An algorithm developed to predict the effect of missense changes on protein structure and function (PolyPhen-2) suggests that this variant¬†is likely to be tolerated. In summary, the available evidence is currently insufficient to determine the role of this variant in disease. Therefore, it has been classified as a Variant of Uncertain Significance.

NM_001004334.4(GPR179):c.1519G>T (p.Val507Leu)

Gene: GPR179 (G protein-coupled receptor 179; minus strand). Cytogenetic location: 17q12.
Variant type: single nucleotide variant.
Coding change: c.1519G>T on transcript NM_001004334.4 (MANE Select); coding-DNA position 1519, G replaced by T.
Protein change: p.Val507Leu; replaces valine 507 with leucine.
Molecular consequence: missense variant.
Genome position (GRCh38, 1-based): chr17:38,335,159, C>A on the plus strand (G>T on the coding strand, the complement: GPR179 is on the minus strand). VCF-style: chr17-38335159-C-A. GRCh37 (hg19) VCF-style: chr17-36491042-C-A.
Other names: short protein forms V507L.
Identifiers: ClinVar variation 1468276 (VCV001468276.4), dbSNP rs757741920, ClinGen allele CA290108671.